The following is an entry in ClinVar:

NM_016222.4(DDX41):c.1119C>T (p.Leu373=)

Gene: DDX41 (DEAD-box helicase 41; minus strand). Cytogenetic location: 5q35.3.
Variant type: single nucleotide variant.
Coding change: c.1119C>T on transcript NM_016222.4 (MANE Select); coding-DNA position 1119, C replaced by T.
Protein change: p.Leu373=; no amino-acid change (leucine 373 retained).
Molecular consequence: synonymous variant.
Genome position (GRCh38, 1-based): chr5:177,513,464, G>A on the plus strand (C>T on the coding strand, the complement: DDX41 is on the minus strand). VCF-style: chr5-177513464-G-A. GRCh37 (hg19) VCF-style: chr5-176940465-G-A.
Other names: c.741C>T, p.Leu247= (NM_001321732.2, NM_001321830.2).
Identifiers: ClinVar variation 2497834 (VCV002497834.3), dbSNP rs748411098, ClinGen allele CA3584875.

ClinVar aggregate classification (germline): Conflicting classifications of pathogenicity. Review status: criteria provided, conflicting classifications (1 of 4 stars). 2 submissions from 2 submitters: Uncertain significance (1); Likely benign (1). Last evaluated 2026-01-12.

Conditions:
Inborn genetic diseases. Identifiers: MedGen C0950123, MeSH D030342.

Allele frequency attached by ClinVar (database versions not stated): gnomAD exomes below 0.00001; TOPMed 0.00002; ExAC 0.00001; gnomAD 0.00001.
gnomAD v4.1: 5 of 1,614,080 alleles (0.00031%); highest among the groups gnomAD compares: African/African-American, 0.0027%; no homozygotes.

Submissions (2):

Ambry Genetics
Classification: Likely benign for Inborn genetic diseases. Last evaluated: 2026-01-12. Review status: criteria provided, single submitter. Criteria: Ambry Variant Classification Scheme 2023. Collection method: clinical testing. Allele origin: germline.

GeneDx
Classification: Uncertain significance. Last evaluated: 2024-05-12. Review status: criteria provided, single submitter. Criteria: GeneDx Variant Classification Process June 2021. Collection method: clinical testing. Allele origin: germline.
Comment: Not observed at significant frequency in large population cohorts (gnomAD); In silico analysis supports a deleterious effect on splicing; Has not been previously published as pathogenic or benign to our knowledge